The following is an entry in ClinVar:

NM_139318.5(KCNH5):c.1985G>A (p.Arg662Lys)

Gene: KCNH5 (potassium voltage-gated channel subfamily H member 5; minus strand). Cytogenetic location: 14q23.2.
Variant type: single nucleotide variant.
Coding change: c.1985G>A on transcript NM_139318.5 (MANE Select); coding-DNA position 1985, G replaced by A.
Protein change: p.Arg662Lys; replaces arginine 662 with lysine.
Molecular consequence: missense variant. On other transcripts: intron variant (1).
Genome position (GRCh38, 1-based): chr14:62,779,762, C>T on the plus strand (G>A on the coding strand, the complement: KCNH5 is on the minus strand). VCF-style: chr14-62779762-C-T. GRCh37 (hg19) VCF-style: chr14-63246480-C-T.
Other names: c.1985G>A (NM_139318.3); c.1822+22567G>A (NM_172375.3); short protein forms R662K.
Identifiers: ClinVar variation 1353984 (VCV001353984.8), dbSNP rs1382406226, ClinGen allele CA390099077.

ClinVar aggregate classification (germline): Uncertain significance. Review status: criteria provided, multiple submitters, no conflicts (2 of 4 stars). 2 submissions from 2 submitters: Uncertain significance (2). Last evaluated 2025-08-01.

Conditions:
Inborn genetic diseases. Identifiers: MedGen C0950123, MeSH D030342.
Early-infantile DEE. Also called: Early infantile epileptic encephalopathy with suppression bursts; Early infantile epileptic encephalopathy; Ohtahara syndrome. Identifiers: Orphanet 1934, MedGen C0393706, MONDO:0800491.

Allele frequency attached by ClinVar (database versions not stated): gnomAD exomes below 0.00001; TOPMed below 0.00001.
gnomAD v4.1: 2 of 1,613,810 alleles (0.00012%); highest among the groups gnomAD compares: Non-Finnish European, 0.00017%; no homozygotes.

Submissions (2):

Ambry Genetics
Classification: Uncertain significance for Inborn genetic diseases. Last evaluated: 2025-08-01. Review status: criteria provided, single submitter. Criteria: Ambry Variant Classification Scheme 2023. Collection method: clinical testing. Allele origin: germline.

Labcorp Genetics (formerly Invitae), Labcorp
Classification: Uncertain significance for Early-infantile DEE. Last evaluated: 2021-08-11. Review status: criteria provided, single submitter. Criteria: Invitae Variant Classification Sherloc (09022015). Collection method: clinical testing. Allele origin: germline.
Comment: In summary, the available evidence is currently insufficient to determine the role of this variant in disease. Therefore, it has been classified as a Variant of Uncertain Significance. Algorithms developed to predict the effect of sequence changes on RNA splicing suggest that this variant may create or strengthen a splice site. Algorithms developed to predict the effect of missense changes on protein structure and function (SIFT, PolyPhen-2, Align-GVGD) all suggest that this variant is likely to be disruptive. This variant has not been reported in the literature in individuals affected with KCNH5-related conditions. This variant is not present in population databases (ExAC no frequency). This sequence change replaces arginine with lysine at codon 662 of the KCNH5 protein (p.Arg662Lys). The arginine residue is highly conserved and there is a small physicochemical difference between arginine and lysine.